The following is an entry in ClinVar:

NM_020207.7(ERCC6L2):c.3352G>T (p.Val1118Leu)

Gene: ERCC6L2 (ERCC excision repair 6 like 2; plus strand). Cytogenetic location: 9q22.32.
Variant type: single nucleotide variant.
Coding change: c.3352G>T on transcript NM_020207.7 (MANE Select); coding-DNA position 3352, G replaced by T.
Protein change: p.Val1118Leu; replaces valine 1118 with leucine.
Molecular consequence: missense variant. On other transcripts: non-coding transcript variant (1).
Genome position (GRCh38, 1-based): chr9:95,978,075, G>T. VCF-style: chr9-95978075-G-T. GRCh37 (hg19) VCF-style: chr9-98740357-G-T.
Other names: c.3352G>T, p.Val1118Leu (NM_001375291.1, NM_001375292.1, NM_001375293.1 and 1 more transcripts); short protein forms V1118L.
Identifiers: ClinVar variation 1003742 (VCV001003742.6), dbSNP rs764962652, ClinGen allele CA5139904.

ClinVar aggregate classification (germline): Uncertain significance (1 of 4 stars; one submission).

Allele frequency attached by ClinVar (database versions not stated): gnomAD 0.00001; TOPMed 0.00001; ExAC 0.00003.
gnomAD v4.1: 13 of 1,365,510 alleles (0.00095%); highest among the groups gnomAD compares: Admixed American, 0.0019%; no homozygotes.

Submission:

Labcorp Genetics (formerly Invitae), Labcorp
Classification: Uncertain significance. Last evaluated: 2021-08-28. Review status: criteria provided, single submitter. Criteria: Invitae Variant Classification Sherloc (09022015). Collection method: clinical testing. Allele origin: germline.
Comment: This sequence change replaces valine with leucine at codon 1129 of the ERCC6L2 protein (p.Val1129Leu). The valine residue is weakly conserved and there is a small physicochemical difference between valine and leucine. This variant is present in population databases (rs764962652, ExAC 0.006%). This variant has not been reported in the literature in individuals affected with ERCC6L2-related conditions. Algorithms developed to predict the effect of missense changes on protein structure and function are either unavailable or do not agree on the potential impact of this missense change (SIFT: "Deleterious"; PolyPhen-2: "Not Available"; Align-GVGD: "Class C0"). In summary, the available evidence is currently insufficient to determine the role of this variant in disease. Therefore, it has been classified as a Variant of Uncertain Significance.